The following is an entry in ClinVar:

ClinVar aggregate classification (germline): Uncertain significance (1 of 4 stars; one submission).

Conditions:
Baller-Gerold syndrome (BGS). Also called: CRANIOSYNOSTOSIS WITH RADIAL DEFECTS. Identifiers: Orphanet 1225, MedGen C0265308, MONDO:0009039, OMIM 218600.

Allele frequency attached by ClinVar (database versions not stated): gnomAD exomes below 0.00001; ExAC 0.00001.

Submission:

Labcorp Genetics (formerly Invitae), Labcorp
Classification: Uncertain significance for Baller-Gerold syndrome. Last evaluated: 2021-02-12. Review status: criteria provided, single submitter. Criteria: Invitae Variant Classification Sherloc (09022015). Collection method: clinical testing. Allele origin: germline.
Comment: Nucleotide substitutions within the consensus splice site are a relatively common cause of aberrant splicing (PMID: 17576681, 9536098). Algorithms developed to predict the effect of sequence changes on RNA splicing suggest that this variant may disrupt the consensus splice site, but this prediction has not been confirmed by published transcriptional studies. In summary, the available evidence is currently insufficient to determine the role of this variant in disease. Therefore, it has been classified as a Variant of Uncertain Significance. This variant has not been reported in the literature in individuals with RECQL4-related conditions. This variant is present in population databases (rs765331236, ExAC 0.01%). This sequence change falls in intron 16 of the RECQL4 gene. It does not directly change the encoded amino acid sequence of the RECQL4 protein. It affects a nucleotide within the consensus splice site of the intron.

Literature cited by the submitters: PubMed 17576681; PubMed 9536098.

NM_004260.4(RECQL4):c.2886-3C>G

Gene: RECQL4 (RecQ like helicase 4; minus strand). Cytogenetic location: 8q24.3.
Variant type: single nucleotide variant.
Coding change: c.2886-3C>G on transcript NM_004260.4 (MANE Select); 3 bases into the intron before coding-DNA position 2886, C replaced by G.
Molecular consequence: intron variant.
Genome position (GRCh38, 1-based): chr8:144,512,564, G>C on the plus strand (C>G on the coding strand, the complement: RECQL4 is on the minus strand). VCF-style: chr8-144512564-G-C. GRCh37 (hg19) VCF-style: chr8-145737947-G-C.
Identifiers: ClinVar variation 1522935 (VCV001522935.6), dbSNP rs765331236, ClinGen allele CA4948012.